The following is an entry in ClinVar:

ClinVar aggregate classification (germline): Likely benign (0 of 4 stars; one submission).

Conditions:
TUBG1-related disorder. Also called: TUBG1-related condition.

Allele frequency attached by ClinVar (database versions not stated): ExAC 0.00004.

Submission:

PreventionGenetics, part of Exact Sciences
Classification: Likely benign for TUBG1-related condition. Last evaluated: 2022-08-29. Review status: no assertion criteria provided. Collection method: clinical testing. Allele origin: germline.
Comment: This variant is classified as likely benign based on ACMG/AMP sequence variant interpretation guidelines (Richards et al. 2015 PMID: 25741868, with internal and published modifications).

NM_001070.5(TUBG1):c.150C>T (p.Val50=)

Gene: TUBG1 (tubulin gamma 1; plus strand). Cytogenetic location: 17q21.2.
Variant type: single nucleotide variant.
Coding change: c.150C>T on transcript NM_001070.5 (MANE Select); coding-DNA position 150, C replaced by T.
Protein change: p.Val50=; no amino-acid change (valine 50 retained).
Molecular consequence: synonymous variant.
Genome position (GRCh38, 1-based): chr17:42,610,208, C>T. VCF-style: chr17-42610208-C-T. GRCh37 (hg19) VCF-style: chr17-40762226-C-T.
Identifiers: ClinVar variation 3053507 (VCV003053507.2), dbSNP rs1555631018, ClinGen allele CA8579767.
Genomic context (GRCh38, chr17:42,610,208, plus strand): 5'-TATCAGCCCCGAGGGCATCGTGGAGGAGTTCGCCACCGAGGGCACTGACCGCAAGGACGT[C>T]TTTTTCTACCAGGTGCCCCCAGCGACTTGGCCGGGGGCGGCAGTTGCCCAAGGGGGCGGA-3'
Protein context (NP_001061.2, residues 40-60): FATEGTDRKD[Val50=]FFYQADDEHY